The following is an entry in ClinVar:

ClinVar aggregate classification (germline): Uncertain significance (1 of 4 stars; one submission).

Submission:

CeGaT Center for Human Genetics Tuebingen
Classification: Uncertain significance. Last evaluated: 2026-04-01. Review status: criteria provided, single submitter. Criteria: CeGaT Center For Human Genetics Tuebingen Variant Classification Criteria Version 2. Collection method: clinical testing. Allele origin: germline. Affected: yes. Observed: 2 variant alleles.
Comment: INSRR: PM2, BP4

NM_014215.3(INSRR):c.46A>G (p.Ile16Val)

Genes: INSRR (insulin receptor related receptor; minus strand), NTRK1 (neurotrophic receptor tyrosine kinase 1; plus strand). Cytogenetic location: 1q23.1.
Variant type: single nucleotide variant.
Coding change: c.46A>G on transcript NM_014215.3 (MANE Select); coding-DNA position 46, A replaced by G.
Protein change: p.Ile16Val; replaces isoleucine 16 with valine.
Molecular consequence: missense variant. On other transcripts: intron variant (1).
Genome position (GRCh38, 1-based): chr1:156,858,576, T>C on the plus strand (A>G on the coding strand, the complement: INSRR is on the minus strand). VCF-style: chr1-156858576-T-C. GRCh37 (hg19) VCF-style: chr1-156828368-T-C.
Other names: c.123-5778T>C (NM_001007792.1); short protein forms I16V.
Identifiers: ClinVar variation 3389181 (VCV003389181.14).